The following is an entry in ClinVar:

NM_000271.5(NPC1):c.198CTT[1] (p.Phe68del)

Gene: NPC1 (NPC intracellular cholesterol transporter 1; minus strand). Cytogenetic location: 18q11.2.
Variant type: Microsatellite.
Coding change: c.198CTT[1] on transcript NM_000271.5 (MANE Select); one copy of the 3-base unit CTT starting at c.198; the reference has two copies in a row; one copy, 3 bases deleted; also written c.201_203del.
Protein change: p.Phe68del; deletes phenylalanine 68.
Molecular consequence: inframe deletion.
Genome position (GRCh38, 1-based): chr18:23,572,158-23,572,160, AAG deleted on the plus strand (CTT on the coding strand, the reverse complement: NPC1 is on the minus strand); deleting any 3 consecutive bases within chr18:23,572,158-23,572,165 gives the same sequence; the position shown is the placement nearest the transcript's 3' end. VCF-style (leftmost placement, unchanged base first): chr18-23572157-AAAG-A. GRCh37 (hg19) VCF-style: chr18-21152121-AAAG-A.
Other names: c.201_203del (NM_000271.5); short protein forms F68del.
Identifiers: ClinVar variation 551273 (VCV000551273.10), dbSNP rs1555641909, ClinGen allele CA658823794.

ClinVar aggregate classification (germline): Uncertain significance. Review status: criteria provided, multiple submitters, no conflicts (2 of 4 stars). 4 submissions from 4 submitters: Uncertain significance (2). 2 of the submissions do not count toward it. Last evaluated 2025-02-21.

Conditions:
Niemann-Pick disease, type C1. Also called: NIEMANN-PICK DISEASE, VARIANT TYPE C1; NEUROVISCERAL STORAGE DISEASE WITH VERTICAL SUPRANUCLEAR OPHTHALMOPLEGIA; NIEMANN-PICK DISEASE WITH CHOLESTEROL ESTERIFICATION BLOCK; NIEMANN-PICK DISEASE WITHOUT SPHINGOMYELINASE DEFICIENCY; NIEMANN-PICK DISEASE, CHRONIC NEURONOPATHIC FORM. Identifiers: Orphanet 646, MedGen C3179455, MONDO:0009757, OMIM 257220.
NPC1-related disorder. Also called: NPC1-related condition.

Submissions (4):

PreventionGenetics, part of Exact Sciences
Classification: Uncertain significance for NPC1-related condition. Last evaluated: 2025-02-21. Review status: criteria provided, single submitter. Criteria: ACMG Guidelines, 2015. Collection method: clinical testing. Allele origin: germline.
Comment: The NPC1 c.201_203delCTT variant is predicted to result in an in-frame deletion (p.Phe68del). Arg707Trp in MFN2 gene associated with Charcot–Marie–Tooth type 2A was also detected. However electromyography and nerve conduction studies to evaluate for Charcot–Marie–Tooth type 2A were inconclusive, while oxysterol test was consistent with a diagnosis of Niemann–Pick disease type C (Brockman et al. 2021. PubMed ID:33976420). This variant has not been reported in a large population database (gnomAD), indicating this variant is rare. Alternative variant at the same codon p.Phe68Leu has been observed in heterozygous state in an individual with progressive supranuclear palsy (Picillo et al. 2020. PubMed ID: 32858489). Although we suspect that this variant may be pathogenic, at this time, the clinical significance of this variant is uncertain due to the absence of conclusive functional and genetic evidence.

Laboratory for Molecular Medicine, Mass General Brigham Personalized Medicine
Classification: Uncertain significance. Last evaluated: 2019-02-11. Review status: criteria provided, single submitter. Criteria: LMM Criteria. Collection method: clinical testing. Allele origin: germline. Observed: 1 variant allele.
Comment: The p.Phe68del variant in NPC1 has not been previously reported in individuals with Niemann-Pick disease, type C and was absent from large population studies. This variant is a deletion of a moderately conserved amino acid at position 68 and is not predicted to alter the protein reading frame. It is unclear if the deletion will impact protein function. In summary, the clinical significance of the p.Phe68del variant is uncertain. ACMG/AMP Criteria applied: PM2, PM4_Supporting.

Natera, Inc.
Classification: Uncertain significance for Niemann-Pick disease type C1. Last evaluated: 2020-12-02. Review status: no assertion criteria provided. Collection method: clinical testing. Allele origin: germline. Not counted in ClinVar's aggregate classification.

Counsyl
Classification: Uncertain significance for Niemann-Pick disease, type C1. Last evaluated: 2017-03-28. Review status: no assertion criteria provided. Collection method: clinical testing. Allele origin: unknown. Not counted in ClinVar's aggregate classification.